The following is an entry in ClinVar:

NM_001370658.1(BTD):c.73G>A (p.Gly25Arg)

Gene: BTD (biotinidase; plus strand). Cytogenetic location: 3p25.1.
Variant type: single nucleotide variant.
Coding change: c.73G>A on transcript NM_001370658.1 (MANE Select); coding-DNA position 73, G replaced by A.
Protein change: p.Gly25Arg; replaces glycine 25 with arginine.
Molecular consequence: missense variant.
Genome position (GRCh38, 1-based): chr3:15,635,512, G>A. VCF-style: chr3-15635512-G-A. GRCh37 (hg19) VCF-style: chr3-15677019-G-A.
Other names: G45R; p.G45R:GGG>AGG; c.133G>A, p.Gly45Arg (NM_000060.4); c.73G>A, p.Gly25Arg (NM_001281724.3, NM_001281725.3, NM_001281726.3 and 37 more transcripts); short protein forms G25R.
Identifiers: ClinVar variation 24973 (VCV000024973.65), dbSNP rs34885143, ClinGen allele CA241269.
Genomic context (GRCh38, chr3:15,635,512, plus strand): 5'-AGAAGTAAGCTTGCTCTTTTCCTCTGCGGCTGTTACGTGGTTGCCCTGGGAGCCCACACC[G>A]GGGAGGAGAGCGTGGCTGACCATCACGAGGCTGAATATTATGTGGCTGCCGTGTATGAGC-3'
Protein context (NP_001357587.1, residues 15-35): CYVVALGAHT[Gly25Arg]EESVADHHEA

ClinVar aggregate classification (germline): Conflicting classifications of pathogenicity. Review status: criteria provided, conflicting classifications (1 of 4 stars). 15 submissions from 15 submitters: Uncertain significance (3); Benign (4); Likely benign (6). 2 of the submissions do not count toward it. Last evaluated 2026-09-01.

Conditions:
BTD-related disorder. Also called: BTD-related condition.
Biotinidase deficiency. Also called: Biotin deficiency; BTD deficiency; Late-onset biotin-responsive multiple carboxylase deficiency. Identifiers: Orphanet 79241, MedGen C0220754, MONDO:0009665, OMIM 253260.

Allele frequency attached by ClinVar (database versions not stated): ExAC 0.00995; gnomAD exomes 0.01018; 1000 Genomes Project 30x 0.00359; 1000 Genomes Project 0.00379; TOPMed 0.00868; gnomAD 0.01022 and 0.01036; ESP Exome Variant Server 0.01115.
gnomAD v4.1: 21,990 of 1,614,134 alleles (1.4%); highest among the groups gnomAD compares: Non-Finnish European, 1.6%; 169 homozygotes.

Submissions (15):

CeGaT Center for Human Genetics Tuebingen
Classification: Benign. Last evaluated: 2026-09-01. Review status: criteria provided, single submitter. Criteria: CeGaT Center For Human Genetics Tuebingen Variant Classification Criteria Version 2. Collection method: clinical testing. Allele origin: germline. Affected: yes. Observed: 62 variant alleles.
Comment: BTD: BP4, BS1, BS2

Labcorp Genetics (formerly Invitae), Labcorp
Classification: Likely benign for Biotinidase deficiency. Last evaluated: 2026-02-04. Review status: criteria provided, single submitter. Criteria: Invitae Variant Classification Sherloc (09022015). Collection method: clinical testing. Allele origin: germline.

ARUP Laboratories, Molecular Genetics and Genomics, ARUP Laboratories
Classification: Likely benign for Biotinidase deficiency. Last evaluated: 2025-04-10. Review status: criteria provided, single submitter. Criteria: ARUP Molecular Germline Variant Investigation Process 2024. Collection method: clinical testing. Allele origin: germline.

Quest Diagnostics Nichols Institute San Juan Capistrano
Classification: Likely benign. Last evaluated: 2024-12-27. Review status: criteria provided, single submitter. Criteria: Quest Diagnostics criteria. Collection method: clinical testing. Allele origin: unknown.

Blueprint Genetics
Classification: Likely benign. Last evaluated: 2024-11-26. Review status: criteria provided, single submitter. Criteria: ACMG Guidelines, 2015. Collection method: clinical testing. Allele origin: germline.

Molecular Genetics, Royal Melbourne Hospital
Classification: Benign for Biotinidase deficiency. Last evaluated: 2023-05-04. Review status: criteria provided, single submitter. Criteria: ACMG Guidelines, 2015. Collection method: clinical testing. Allele origin: germline. Affected: yes.
Comment: European Non-Finnish population allele frequency is 1.469% (rs34885143, 1052/69016 alleles, 11 homozygotes in gnomAD v3.1). Based on the classification scheme RMH Modified ACMG/AMP Guidelines v1.4.0, this variant is classified as BENIGN. Following criteria are met: BA1

Department of Pathology and Laboratory Medicine, Sinai Health System
Classification: Benign for biotinidase deficiency. Last evaluated: 2022-12-01. Review status: criteria provided, single submitter. Criteria: ACMG Guidelines, 2015. Collection method: research. Allele origin: germline.

Women's Health and Genetics/Laboratory Corporation of America, LabCorp
Classification: Likely benign. Last evaluated: 2022-02-18. Review status: criteria provided, single submitter. Criteria: LabCorp Variant Classification Summary - May 2015. Collection method: clinical testing. Allele origin: germline.

Genome-Nilou Lab
Classification: Likely benign for Biotinidase deficiency. Last evaluated: 2021-05-18. Review status: criteria provided, single submitter. Criteria: ACMG Guidelines, 2015. Collection method: clinical testing. Allele origin: germline. Affected: no.

GeneDx
Classification: Benign. Last evaluated: 2021-05-03. Review status: criteria provided, single submitter. Criteria: GeneDx Variant Classification Process June 2021. Collection method: clinical testing. Allele origin: germline. Affected: yes.
Comment: This variant is associated with the following publications: (PMID: 26361991, 12359137, 27329734, 25087612, 21228398, 10400129, 15060693, 15776412, 11668630, 26810761, 16150625, 26990548, 27657684, 31664448)

Elsea Laboratory, Baylor College of Medicine
Classification: Uncertain significance for Biotinidase deficiency. Last evaluated: 2020-04-01. Review status: criteria provided, single submitter. Criteria: ACMG Guidelines, 2015. Collection method: clinical testing. Allele origin: paternal. Affected: no.

Eurofins Ntd Llc (ga)
Classification: Uncertain significance. Last evaluated: 2017-05-04. Review status: criteria provided, single submitter. Criteria: EGL Classification Definitions 2015. Collection method: clinical testing. Allele origin: germline. Observed: 7 variant alleles, 7 heterozygotes.

Genetic Services Laboratory, University of Chicago
Classification: Uncertain significance. Last evaluated: 2016-02-08. Review status: criteria provided, single submitter. Criteria: ACMG Guidelines, 2015. Collection method: clinical testing. Allele origin: germline. Affected: no.

PreventionGenetics, part of Exact Sciences
Classification: Benign for BTD-related condition. Last evaluated: 2024-01-03. Review status: no assertion criteria provided. Collection method: clinical testing. Allele origin: germline. Not counted in ClinVar's aggregate classification.
Comment: This variant is classified as benign based on ACMG/AMP sequence variant interpretation guidelines (Richards et al. 2015 PMID: 25741868, with internal and published modifications).

Natera, Inc.
Classification: Benign for Biotinidase deficiency. Last evaluated: 2020-06-23. Review status: no assertion criteria provided. Collection method: clinical testing. Allele origin: germline. Not counted in ClinVar's aggregate classification.

Literature cited by the submitters: PubMed 15776412 (cited by Quest Diagnostics Nichols Institute San Juan Capistrano); PubMed 20556795 (cited by Quest Diagnostics Nichols Institute San Juan Capistrano); PubMed 15060693 (cited by Quest Diagnostics Nichols Institute San Juan Capistrano and Eurofins Ntd Llc (ga)); PubMed 11668630 (cited by Quest Diagnostics Nichols Institute San Juan Capistrano); PubMed 10400129 (cited by Quest Diagnostics Nichols Institute San Juan Capistrano); PubMed 28649539 (cited by Quest Diagnostics Nichols Institute San Juan Capistrano); PubMed 21228398 (cited by Quest Diagnostics Nichols Institute San Juan Capistrano); PubMed 25087612 (cited by Quest Diagnostics Nichols Institute San Juan Capistrano).